The following is an entry in ClinVar:

ClinVar aggregate classification (germline): Uncertain significance. Review status: criteria provided, multiple submitters, no conflicts (2 of 4 stars). 3 submissions from 3 submitters: Uncertain significance (3). Last evaluated 2025-02-24.

Conditions:
Inborn genetic diseases. Identifiers: MedGen C0950123, MeSH D030342.
Lymphatic malformation 6 (LMPHM6). Also called: GENERALIZED LYMPHATIC DYSPLASIA OF FOTIOU; Lymphedema, hereditary, III; PIEZO1-related generalized lymphatic dysplasia with non-immune hydrops fetalis. Identifiers: Orphanet 568062, MedGen C4225184, MONDO:0014797, OMIM 616843.

Allele frequency attached by ClinVar (database versions not stated): ExAC 0.00006; TOPMed 0.00005; 1000 Genomes Project 30x 0.00016; 1000 Genomes Project 0.00040.
gnomAD v4.1: 41 of 1,549,836 alleles (0.0026%); highest among the groups gnomAD compares: Admixed American, 0.0039%; no homozygotes.

Submissions (3):

Ambry Genetics
Classification: Uncertain significance for Inborn genetic diseases. Last evaluated: 2025-02-24. Review status: criteria provided, single submitter. Criteria: Ambry Variant Classification Scheme 2023. Collection method: clinical testing. Allele origin: germline.

Mayo Clinic Laboratories, Mayo Clinic
Classification: Uncertain significance. Last evaluated: 2024-11-12. Review status: criteria provided, single submitter. Criteria: ACMG Guidelines, 2015. Collection method: clinical testing. Allele origin: germline. Observed: 1 variant allele.
Comment: PM2_supporting

Clinical Genomics Laboratory, Washington University in St. Louis
Classification: Uncertain significance for Lymphatic malformation 6. Last evaluated: 2023-08-23. Review status: criteria provided, single submitter. Criteria: ACMG Guidelines, 2015. Collection method: clinical testing. Allele origin: germline.
Comment: The PIEZO1 c.3397G>A (p.Asp1133Asn) variant was identified at a near heterozygous allelic fraction. The PIEZO1 c.3397G>A (p.Asp1133Asn) variant, to our knowledge, has not been reported in the medical literature. This variant is only observed on 1/152224 alleles in the general population (gnomAD v.2.1.1), indicating it is not a common variant. Computational predictors are conflicting as to the impact of this variant on the PIEZO1 function. Due to limited information and based on ACMG/AMP guidelines for variant interpretation (Richards S et al., PMID: 25741868), the clinical significance of this variant is uncertain at this time.

NM_001142864.4(PIEZO1):c.3397G>A (p.Asp1133Asn)

Gene: PIEZO1 (piezo type mechanosensitive ion channel component 1 (Er blood group); minus strand). Cytogenetic location: 16q24.3.
Variant type: single nucleotide variant.
Coding change: c.3397G>A on transcript NM_001142864.4 (MANE Select); coding-DNA position 3397, G replaced by A.
Protein change: p.Asp1133Asn; replaces aspartic acid 1133 with asparagine.
Molecular consequence: missense variant.
Genome position (GRCh38, 1-based): chr16:88,727,097, C>T on the plus strand (G>A on the coding strand, the complement: PIEZO1 is on the minus strand). VCF-style: chr16-88727097-C-T. GRCh37 (hg19) VCF-style: chr16-88793505-C-T.
Other names: p.Asp1133Asn; c.1939G>A, p.Asp647Asn (NM_014745.1); c.3397G>A (NM_001142864.2); short protein forms D1133N, D647N.
Identifiers: ClinVar variation 2672224 (VCV002672224.3), dbSNP rs534527849, ClinGen allele CA8232502.